The following is an entry in ClinVar:

ClinVar aggregate classification (germline): Uncertain significance (1 of 4 stars; one submission).

Conditions:
Inborn genetic diseases. Identifiers: MedGen C0950123, MeSH D030342.

Submission:

Ambry Genetics
Classification: Uncertain significance for Inborn genetic diseases. Last evaluated: 2025-05-19. Review status: criteria provided, single submitter. Criteria: Ambry Variant Classification Scheme 2023. Collection method: clinical testing. Allele origin: germline.
Comment: The p.C184S variant (also known as c.550T>A), located in coding exon 3 of the MBD4 gene, results from a T to A substitution at nucleotide position 550. The cysteine at codon 184 is replaced by serine, an amino acid with dissimilar properties. This amino acid position is conserved. In addition, this alteration is predicted to be tolerated by in silico analysis. Based on the available evidence, the clinical significance of this variant remains unclear.

NM_001276270.2(MBD4):c.550T>A (p.Cys184Ser)

Gene: MBD4 (methyl-CpG binding domain 4, DNA glycosylase; minus strand). Cytogenetic location: 3q21.3.
Variant type: single nucleotide variant.
Coding change: c.550T>A on transcript NM_001276270.2 (MANE Select); coding-DNA position 550, T replaced by A.
Protein change: p.Cys184Ser; replaces cysteine 184 with serine.
Molecular consequence: missense variant. On other transcripts: intron variant (1).
Genome position (GRCh38, 1-based): chr3:129,437,094, A>T on the plus strand (T>A on the coding strand, the complement: MBD4 is on the minus strand). VCF-style: chr3-129437094-A-T. GRCh37 (hg19) VCF-style: chr3-129155937-A-T.
Other names: c.550T>A, p.Cys184Ser (NM_001276271.2, NM_001276272.2, NM_003925.3); c.247+714T>A (NM_001276273.2); short protein forms C184S.
Identifiers: ClinVar variation 4052234 (VCV004052234.1).
Genomic context (GRCh38, chr3:129,437,094, plus strand): 5'-GTCCTCTGCTCTCCTGCAACTCTGAACTACTACTTGGCGGCATAAACACATCCTTTTTGC[A>T]CTTGCTTCGGGTCCTGAGGTTCCAGTTTGAATTGTTACTTTGGTTTTGTAGATGGGATGT-3'
Protein context (NP_001263199.1, residues 174-194): SNWNLRTRSK[Cys184Ser]KKDVFMPPSS